The following is an entry in ClinVar:

ClinVar aggregate classification (germline): Uncertain significance. Review status: criteria provided, multiple submitters, no conflicts (2 of 4 stars). 2 submissions from 2 submitters: Uncertain significance (2). Last evaluated 2023-03-01.

Submissions (2):

Labcorp Genetics (formerly Invitae), Labcorp
Classification: Uncertain significance. Last evaluated: 2023-03-01. Review status: criteria provided, single submitter. Criteria: Invitae Variant Classification Sherloc (09022015). Collection method: clinical testing. Allele origin: germline.
Comment: In summary, the available evidence is currently insufficient to determine the role of this variant in disease. Therefore, it has been classified as a Variant of Uncertain Significance. ClinVar contains an entry for this variant (Variation ID: 448681). This variant has not been reported in the literature in individuals affected with TGM6-related conditions. This variant is not present in population databases (gnomAD no frequency). This sequence change creates a premature translational stop signal (p.Leu281Cysfs*10) in the TGM6 gene. It is expected to result in an absent or disrupted protein product. However, the current clinical and genetic evidence is not sufficient to establish whether loss-of-function variants in TGM6 cause disease.

Athena Diagnostics
Classification: Uncertain significance. Last evaluated: 2019-03-11. Review status: criteria provided, single submitter. Criteria: Athena Diagnostics criteria. Collection method: clinical testing. Allele origin: unknown.

NM_198994.3(TGM6):c.841del (p.Leu281fs)

Gene: TGM6 (transglutaminase 6; plus strand). Cytogenetic location: 20p13.
Variant type: Deletion.
Coding change: c.841del on transcript NM_198994.3 (MANE Select); coding-DNA position 841, one base deleted (C; older notation c.841delC).
Protein change: p.Leu281fs; shifts the reading frame from leucine 281.
Molecular consequence: frameshift variant.
Genome position (GRCh38, 1-based): chr20:2,399,729, C deleted; the last of 2 consecutive C bases (chr20:2,399,728-2,399,729); deleting either gives the same sequence. VCF-style (leftmost placement, unchanged base first): chr20-2399727-TC-T. GRCh37 (hg19) VCF-style: chr20-2380373-TC-T.
Other names: c.841del, p.Leu281fs (NM_001254734.2); short protein forms L281fs.
Identifiers: ClinVar variation 448681 (VCV000448681.5), dbSNP rs1555799865, ClinGen allele CA658658867.